The following is an entry in ClinVar:

NM_001142864.4(PIEZO1):c.7102G>A (p.Ala2368Thr)

Gene: PIEZO1 (piezo type mechanosensitive ion channel component 1 (Er blood group); minus strand). Cytogenetic location: 16q24.3.
Variant type: single nucleotide variant.
Coding change: c.7102G>A on transcript NM_001142864.4 (MANE Select); coding-DNA position 7102, G replaced by A.
Protein change: p.Ala2368Thr; replaces alanine 2368 with threonine.
Molecular consequence: missense variant.
Genome position (GRCh38, 1-based): chr16:88,716,225, C>T on the plus strand (G>A on the coding strand, the complement: PIEZO1 is on the minus strand). VCF-style: chr16-88716225-C-T. GRCh37 (hg19) VCF-style: chr16-88782633-C-T.
Other names: c.7102G>A (NM_001142864.3); short protein forms A2368T.
Identifiers: ClinVar variation 1696917 (VCV001696917.4), dbSNP rs753588420, ClinGen allele CA8231412.

ClinVar aggregate classification (germline): Uncertain significance. Review status: criteria provided, multiple submitters, no conflicts (2 of 4 stars). 3 submissions from 3 submitters: Uncertain significance (2). 1 of the submissions does not count toward it. Last evaluated 2026-03-17.

Conditions:
Inborn genetic diseases. Identifiers: MedGen C0950123, MeSH D030342.
PIEZO1-related disorder. Also called: PIEZO1-related condition; PIEZO1-Related Disorders.

Allele frequency attached by ClinVar (database versions not stated): gnomAD exomes 0.00001; TOPMed below 0.00001; ExAC 0.00011.
gnomAD v4.1: 2 of 1,497,936 alleles (0.00013%); highest among the groups gnomAD compares: Admixed American, 0.0022%; no homozygotes.

Submissions (3):

Ambry Genetics
Classification: Uncertain significance for Inborn genetic diseases. Last evaluated: 2026-03-17. Review status: criteria provided, single submitter. Criteria: Ambry Variant Classification Scheme 2023. Collection method: clinical testing. Allele origin: germline.

GeneDx
Classification: Uncertain significance. Last evaluated: 2022-06-30. Review status: criteria provided, single submitter. Criteria: GeneDx Variant Classification Process June 2021. Collection method: clinical testing. Allele origin: germline. Affected: yes.
Comment: Not observed at significant frequency in large population cohorts (gnomAD); In silico analysis supports that this missense variant has a deleterious effect on protein structure/function; Has not been previously published as pathogenic or benign to our knowledge

PreventionGenetics, part of Exact Sciences
Classification: Uncertain significance for PIEZO1-related condition. Last evaluated: 2024-09-23. Review status: no assertion criteria provided. Collection method: clinical testing. Allele origin: germline. Not counted in ClinVar's aggregate classification.
Comment: The PIEZO1 c.7102G>A variant is predicted to result in the amino acid substitution p.Ala2368Thr. To our knowledge, this variant has not been reported in the literature. This variant is reported in 0.023% of alleles in individuals of Ashkenazi Jewish descent in gnomAD. At this time, the clinical significance of this variant is uncertain due to the absence of conclusive functional and genetic evidence.